The following is an entry in ClinVar:

ClinVar aggregate classification (germline): Likely pathogenic (1 of 4 stars; one submission).

Submission:

GeneDx
Classification: Likely pathogenic. Last evaluated: 2016-03-09. Review status: criteria provided, single submitter. Criteria: GeneDx Variant Classification (06012015). Collection method: clinical testing. Allele origin: germline. Affected: yes.
Comment: The c.256+5G>C variant in the DYNC1H1 gene has not been reported previously as a pathogenic variant nor as a benign variant, to our knowledge. This variant reduces the quality of the splice donor site in intron 1, and is expected to cause abnormal gene splicing. The c.256+5G>C variant was not observed in approximately 6,400 individuals of European and African American ancestry in the NHLBI Exome Sequencing Project, indicating it is not a common benign variant in these populations. The c.256+5G>C variant is a strong candidate for a pathogenic variant .However, the possibility it may be a rare benign variant cannot be excluded.

NM_001376.5(DYNC1H1):c.256+5G>C

Gene: DYNC1H1 (dynein cytoplasmic 1 heavy chain 1; plus strand). Cytogenetic location: 14q32.31.
Variant type: single nucleotide variant.
Coding change: c.256+5G>C on transcript NM_001376.5 (MANE Select); 5 bases into the intron after coding-DNA position 256, G replaced by C.
Molecular consequence: intron variant.
Genome position (GRCh38, 1-based): chr14:101,964,952, G>C. VCF-style: chr14-101964952-G-C. GRCh37 (hg19) VCF-style: chr14-102431289-G-C.
Identifiers: ClinVar variation 246484 (VCV000246484.2), dbSNP rs879254284, ClinGen allele CA10584452.